The following is an entry in ClinVar:

NM_001352514.2(HLCS):c.910C>T (p.Leu304Phe)

Gene: HLCS (holocarboxylase synthetase; minus strand). Cytogenetic location: 21q22.13.
Variant type: single nucleotide variant.
Coding change: c.910C>T on transcript NM_001352514.2 (MANE Select); coding-DNA position 910, C replaced by T.
Protein change: p.Leu304Phe; replaces leucine 304 with phenylalanine.
Molecular consequence: missense variant. On other transcripts: non-coding transcript variant (2).
Genome position (GRCh38, 1-based): chr21:36,936,976, G>A on the plus strand (C>T on the coding strand, the complement: HLCS is on the minus strand). VCF-style: chr21-36936976-G-A. GRCh37 (hg19) VCF-style: chr21-38309276-G-A.
Other names: c.469C>T, p.Leu157Phe (NM_000411.8, NM_001242784.3, NM_001242785.2 and 4 more transcripts); short protein forms L157F, L304F.
Identifiers: ClinVar variation 1414474 (VCV001414474.5), dbSNP rs763508196, ClinGen allele CA10020678.

ClinVar aggregate classification (germline): Uncertain significance (1 of 4 stars; one submission).

Conditions:
Holocarboxylase synthetase deficiency. Also called: MULTIPLE CARBOXYLASE DEFICIENCY, EARLY ONSET. Identifiers: Orphanet 79242, MedGen C0268581, MONDO:0009666, OMIM 253270.

Allele frequency attached by ClinVar (database versions not stated): gnomAD exomes below 0.00001; ExAC 0.00001; TOPMed 0.00002; gnomAD 0.00004.

Submission:

Labcorp Genetics (formerly Invitae), Labcorp
Classification: Uncertain significance for Holocarboxylase synthetase deficiency. Last evaluated: 2021-10-14. Review status: criteria provided, single submitter. Criteria: Invitae Variant Classification Sherloc (09022015). Collection method: clinical testing. Allele origin: germline.
Comment: This sequence change replaces leucine with phenylalanine at codon 157 of the HLCS protein (p.Leu157Phe). The leucine residue is weakly conserved and there is a small physicochemical difference between leucine and phenylalanine. This variant is present in population databases (rs763508196, ExAC 0.01%). This variant has not been reported in the literature in individuals affected with HLCS-related conditions. Algorithms developed to predict the effect of missense changes on protein structure and function (SIFT, PolyPhen-2, Align-GVGD) all suggest that this variant is likely to be tolerated. In summary, the available evidence is currently insufficient to determine the role of this variant in disease. Therefore, it has been classified as a Variant of Uncertain Significance.